The following is an entry in ClinVar:

NM_005529.7(HSPG2):c.764C>T (p.Pro255Leu)

Gene: HSPG2 (heparan sulfate proteoglycan 2; minus strand). Cytogenetic location: 1p36.12.
Variant type: single nucleotide variant.
Coding change: c.764C>T on transcript NM_005529.7 (MANE Select); coding-DNA position 764, C replaced by T.
Protein change: p.Pro255Leu; replaces proline 255 with leucine.
Molecular consequence: missense variant.
Genome position (GRCh38, 1-based): chr1:21,887,614, G>A on the plus strand (C>T on the coding strand, the complement: HSPG2 is on the minus strand). VCF-style: chr1-21887614-G-A. GRCh37 (hg19) VCF-style: chr1-22214107-G-A.
Other names: c.764C>T, p.Pro255Leu (NM_001291860.2); short protein forms P255L.
Identifiers: ClinVar variation 992351 (VCV000992351.20), dbSNP rs369712921, ClinGen allele CA673712.

ClinVar aggregate classification (germline): Uncertain significance. Review status: criteria provided, multiple submitters, no conflicts (2 of 4 stars). 6 submissions from 6 submitters: Uncertain significance (6). Last evaluated 2024-12-02.

Conditions:
Inborn genetic diseases. Identifiers: MedGen C0950123, MeSH D030342.

Allele frequency attached by ClinVar (database versions not stated): ExAC 0.00002; gnomAD exomes 0.00002 and 0.00004; gnomAD 0.00005; TOPMed 0.00006; ESP Exome Variant Server 0.00008.
gnomAD v4.1: 36 of 1,613,898 alleles (0.0022%); highest among the groups gnomAD compares: Admixed American, 0.017%; no homozygotes.

Submissions (6):

Labcorp Genetics (formerly Invitae), Labcorp
Classification: Uncertain significance. Last evaluated: 2024-12-02. Review status: criteria provided, single submitter. Criteria: Invitae Variant Classification Sherloc (09022015). Collection method: clinical testing. Allele origin: germline.
Comment: This sequence change replaces proline, which is neutral and non-polar, with leucine, which is neutral and non-polar, at codon 255 of the HSPG2 protein (p.Pro255Leu). This variant is present in population databases (rs369712921, gnomAD 0.01%). This variant has not been reported in the literature in individuals affected with HSPG2-related conditions. ClinVar contains an entry for this variant (Variation ID: 992351). An algorithm developed to predict the effect of missense changes on protein structure and function outputs the following: PolyPhen-2: "Benign". The leucine amino acid residue is found in multiple mammalian species, which suggests that this missense change does not adversely affect protein function. In summary, the available evidence is currently insufficient to determine the role of this variant in disease. Therefore, it has been classified as a Variant of Uncertain Significance.

Ambry Genetics
Classification: Uncertain significance for Inborn genetic diseases. Last evaluated: 2023-03-23. Review status: criteria provided, single submitter. Criteria: Ambry Variant Classification Scheme 2023. Collection method: clinical testing. Allele origin: germline.

ARUP Laboratories, Molecular Genetics and Genomics, ARUP Laboratories
Classification: Uncertain significance. Last evaluated: 2021-09-09. Review status: criteria provided, single submitter. Criteria: ARUP Molecular Germline Variant Investigation Process 2021. Collection method: clinical testing. Allele origin: germline.
Comment: The HSPG2 c.764C>T; p.Pro255Leu variant (rs369712921), to our knowledge, is not reported in the medical literature but it reported in ClinVar (Variation ID: 992351). It is observed in the Latino/Admixed American population at an overall frequency of 0.01% (5/34550 alleles) in the Genome Aggregation Database. The proline at codon 255 is weakly conserved, and computational analyses predict that this variant is neutral (REVEL: 0.122). Due to limited evidence, the clinical significance of the p.Pro255Leu variant is uncertain at this time.

GeneDx
Classification: Uncertain significance. Last evaluated: 2021-01-18. Review status: criteria provided, single submitter. Criteria: GeneDx Variant Classification Process June 2021. Collection method: clinical testing. Allele origin: germline. Affected: yes.
Comment: In silico analysis supports that this missense variant has a deleterious effect on protein structure/function; In-silico analysis is inconclusive as to whether the variant alters gene splicing. In the absence of RNA/functional studies, the actual effect of this sequence change is unknown.; Has not been previously published as pathogenic or benign to our knowledge

Greenwood Genetic Center Diagnostic Laboratories, Greenwood Genetic Center
Classification: Uncertain significance. Last evaluated: 2020-10-01. Review status: criteria provided, single submitter. Criteria: ACMG Guidelines, 2015. Collection method: clinical testing. Allele origin: germline. Affected: yes.

Revvity Omics, Revvity
Classification: Uncertain significance. Last evaluated: 2019-07-31. Review status: criteria provided, single submitter. Criteria: ACMG Guidelines, 2015. Collection method: clinical testing. Allele origin: germline.